The following is an entry in ClinVar:

NM_017826.3(SOHLH2):c.691G>A (p.Val231Ile)

Genes: CCDC169-SOHLH2 (CCDC169-SOHLH2 readthrough; minus strand), SOHLH2 (spermatogenesis and oogenesis specific basic helix-loop-helix 2; minus strand). Cytogenetic location: 13q13.3.
Variant type: single nucleotide variant.
Coding change: c.691G>A on transcript NM_017826.3 (MANE Select); coding-DNA position 691, G replaced by A.
Protein change: p.Val231Ile; replaces valine 231 with isoleucine.
Molecular consequence: missense variant.
Genome position (GRCh38, 1-based): chr13:36,174,820, C>T on the plus strand (G>A on the coding strand, the complement: SOHLH2 is on the minus strand). VCF-style: chr13-36174820-C-T. GRCh37 (hg19) VCF-style: chr13-36748957-C-T.
Other names: c.922G>A, p.Val308Ile (NM_001198910.2); short protein forms V231I, V308I.
Identifiers: ClinVar variation 3035065 (VCV003035065.2), dbSNP rs150925868, ClinGen allele CA6948875.

ClinVar aggregate classification (germline): Likely benign (0 of 4 stars; one submission).

Conditions:
SOHLH2-related disorder. Also called: SOHLH2-related condition.

Allele frequency attached by ClinVar (database versions not stated): 1000 Genomes Project 0.00080; TOPMed 0.00091; 1000 Genomes Project 30x 0.00094; ExAC 0.00097; gnomAD 0.00103; ESP Exome Variant Server 0.00138; gnomAD exomes 0.00163.

Submission:

PreventionGenetics, part of Exact Sciences
Classification: Likely benign for SOHLH2-related condition. Last evaluated: 2023-07-11. Review status: no assertion criteria provided. Collection method: clinical testing. Allele origin: germline.
Comment: This variant is classified as likely benign based on ACMG/AMP sequence variant interpretation guidelines (Richards et al. 2015 PMID: 25741868, with internal and published modifications).